The following is an entry in ClinVar:

NM_000520.6(HEXA):c.231_235del (p.Trp78fs)

Gene: HEXA (hexosaminidase subunit alpha; minus strand). Cytogenetic location: 15q23.
Variant type: Deletion.
Coding change: c.231_235del on transcript NM_000520.6 (MANE Select); coding-DNA positions 231 to 235, 5 bases deleted (TTGGC; older notation c.231_235delTTGGC).
Protein change: p.Trp78fs; shifts the reading frame from tryptophan 78.
Molecular consequence: frameshift variant. On other transcripts: non-coding transcript variant (1).
Genome position (GRCh38, 1-based): chr15:72,375,738-72,375,742, GCCAA deleted on the plus strand (TTGGC on the coding strand, the reverse complement: HEXA is on the minus strand); deleting any 5 consecutive bases within chr15:72,375,738-72,375,743 gives the same sequence; the c. name uses the placement nearest the transcript's 3' end. VCF-style (leftmost placement, unchanged base first): chr15-72375737-GGCCAA-G. GRCh37 (hg19) VCF-style: chr15-72668078-GGCCAA-G.
Other names: c.231_235del, p.Trp78fs (NM_001318825.2); short protein forms W78fs.
Identifiers: ClinVar variation 4814256 (VCV004814256.1).

ClinVar aggregate classification (germline): Likely pathogenic (1 of 4 stars; one submission).

Conditions:
Tay-Sachs disease (TSD). Also called: HEXA DEFICIENCY; HEXA Disorders; GM2 gangliosidosis, type 1; Hexosaminidase alpha-subunit deficiency (variant B); Sphingolipidosis, Tay-Sachs; Hexosaminidase A Deficiency. Identifiers: Orphanet 845, MedGen C0039373, MONDO:0010100, OMIM 272800.

Submission:

Natera, Inc.
Classification: Likely pathogenic for Tay-Sachs disease. Last evaluated: 2025-08-18. Review status: criteria provided, single submitter. Criteria: Natera Variant Classification Schema (03/2026). Collection method: clinical testing. Allele origin: germline.
Comment: The c.231_235delTTGGC variant in HEXA is a frameshift variant predicted to shift the reading frame beginning at codon 78 and leads to a stop codon 26 codons downstream. This variant is expected to result in nonsense mediated decay, truncation, or a dysfunctional protein product. This variant is rare in the general population with a frequency below the threshold expected for the associated phenotype(s). Given the available evidence, this variant is classified as Likely Pathogenic.